The following is an entry in ClinVar:

ClinVar aggregate classification (germline): Uncertain significance (1 of 4 stars; one submission).

Conditions:
Early-infantile DEE. Also called: Early infantile epileptic encephalopathy with suppression bursts; Early infantile epileptic encephalopathy; Ohtahara syndrome. Identifiers: Orphanet 1934, MedGen C0393706, MONDO:0800491.

gnomAD v4.1: 1 of 1,614,184 alleles (0.000062%); highest among the groups gnomAD compares: Non-Finnish European, 0.000085%; no homozygotes.

Submission:

Labcorp Genetics (formerly Invitae), Labcorp
Classification: Uncertain significance for Early-infantile DEE. Last evaluated: 2025-09-19. Review status: criteria provided, single submitter. Criteria: Invitae Variant Classification Sherloc (09022015). Collection method: clinical testing. Allele origin: germline.
Comment: This sequence change falls in intron 39 of the SPTAN1 gene. It does not directly change the encoded amino acid sequence of the SPTAN1 protein. It affects a nucleotide within the consensus splice site. This variant is not present in population databases (gnomAD no frequency). This variant has not been reported in the literature in individuals affected with SPTAN1-related conditions. Variants that disrupt the consensus splice site are a relatively common cause of aberrant splicing (PMID: 17576681, 9536098). Algorithms developed to predict the effect of sequence changes on RNA splicing suggest that this variant is not likely to affect RNA splicing. In summary, the available evidence is currently insufficient to determine the role of this variant in disease. Therefore, it has been classified as a Variant of Uncertain Significance.

Literature cited by the submitters: PubMed 17576681; PubMed 9536098.

NM_001130438.3(SPTAN1):c.5043+3A>G

Gene: SPTAN1 (spectrin alpha, non-erythrocytic 1; plus strand). Cytogenetic location: 9q34.11.
Variant type: single nucleotide variant.
Coding change: c.5043+3A>G on transcript NM_001130438.3 (MANE Select); 3 bases into the intron after coding-DNA position 5043, A replaced by G.
Molecular consequence: intron variant.
Genome position (GRCh38, 1-based): chr9:128,612,249, A>G. VCF-style: chr9-128612249-A-G. GRCh37 (hg19) VCF-style: chr9-131374528-A-G.
Other names: c.5079+3A>G (NM_001375318.1, NM_001375312.2, NM_001438440.1); c.5043+3A>G (NM_001375311.2, NM_001375310.1, NM_001363759.2 and 1 more transcripts); c.4983+3A>G (NM_001375314.2, NM_001363765.2, NM_001438442.1); c.5028+3A>G (NM_001438445.1, NM_003127.4, NM_001438443.1); c.4968+3A>G (NM_001438444.1, NM_001195532.2, NM_001438441.1).
Identifiers: ClinVar variation 4711462 (VCV004711462.1).